The following is an entry in ClinVar:

NM_001001344.3(ATP2B3):c.1235A>G (p.Gln412Arg)

Gene: ATP2B3 (ATPase plasma membrane Ca2+ transporting 3; plus strand). Cytogenetic location: Xq28.
Variant type: single nucleotide variant.
Coding change: c.1235A>G on transcript NM_001001344.3 (MANE Select); coding-DNA position 1235, A replaced by G.
Protein change: p.Gln412Arg; replaces glutamine 412 with arginine.
Molecular consequence: missense variant.
Genome position (GRCh38, 1-based): chrX:153,548,751, A>G. VCF-style: chrX-153548751-A-G. GRCh37 (hg19) VCF-style: chrX-152814209-A-G.
Other names: c.1235A>G, p.Gln412Arg (NM_001388360.1, NM_001388361.1, NM_001388362.1 and 1 more transcripts); c.1193A>G, p.Gln398Arg (NM_001410708.1); short protein forms Q398R, Q412R.
Identifiers: ClinVar variation 3067550 (VCV003067550.21), dbSNP rs2521578288, ClinGen allele CA415082069.

ClinVar aggregate classification (germline): Uncertain significance (1 of 4 stars; one submission).

Allele frequency attached by ClinVar (database versions not stated): gnomAD exomes below 0.00001.
gnomAD v4.1: 1 of 1,211,638 alleles (0.000083%); highest among the groups gnomAD compares: Non-Finnish European, 0.00011%; no homozygotes.

Submission:

CeGaT Center for Human Genetics Tuebingen
Classification: Uncertain significance. Last evaluated: 2025-02-01. Review status: criteria provided, single submitter. Criteria: CeGaT Center For Human Genetics Tuebingen Variant Classification Criteria Version 2. Collection method: clinical testing. Allele origin: germline. Affected: yes. Observed: 2 variant alleles.
Comment: ATP2B3: PM2, PP3